The following is an entry in ClinVar:

NM_000038.6(APC):c.2644A>G (p.Thr882Ala)

Gene: APC (APC regulator of Wnt signaling pathway; plus strand). Cytogenetic location: 5q22.2.
Variant type: single nucleotide variant.
Coding change: c.2644A>G on transcript NM_000038.6 (MANE Select); coding-DNA position 2644, A replaced by G.
Protein change: p.Thr882Ala; replaces threonine 882 with alanine.
Molecular consequence: missense variant.
Genome position (GRCh38, 1-based): chr5:112,838,238, A>G. VCF-style: chr5-112838238-A-G. GRCh37 (hg19) VCF-style: chr5-112173935-A-G.
Other names: c.2644A>G, p.Thr882Ala (NM_001127510.3, NM_001354895.2); c.2590A>G, p.Thr864Ala (NM_001127511.3); c.2698A>G, p.Thr900Ala (NM_001354896.2); c.2674A>G, p.Thr892Ala (NM_001354897.2); c.2569A>G, p.Thr857Ala (NM_001354898.2); c.2560A>G, p.Thr854Ala (NM_001354899.2); c.2521A>G, p.Thr841Ala (NM_001354900.2); c.2467A>G, p.Thr823Ala (NM_001354901.2); and 5 more; short protein forms T882A, T864A, T599A, T892A, T756A, T781A, T791A, T854A.
Identifiers: ClinVar variation 569763 (VCV000569763.23), dbSNP rs761780458, ClinGen allele CA032929.
Genomic context (GRCh38, chr5:112,838,238, plus strand): 5'-AACTACCATCCAGCAACAGAAAATCCAGGAACTTCTTCAAAGCGAGGTTTGCAGATCTCC[A>G]CCACTGCAGCCCAGATTGCCAAAGTCATGGAAGAAGTGTCAGCCATTCATACCTCTCAGG-3'
Protein context (NP_000029.2, residues 872-892): TSSKRGLQIS[Thr882Ala]TAAQIAKVME

ClinVar aggregate classification (germline): Conflicting classifications of pathogenicity. Review status: criteria provided, conflicting classifications (1 of 4 stars). 6 submissions from 6 submitters: Uncertain significance (5); Likely benign (1). Last evaluated 2025-12-24.

Conditions:
Familial adenomatous polyposis 1 (FAP1). Also called: POLYPOSIS, ADENOMATOUS INTESTINAL; FAMILIAL ADENOMATOUS POLYPOSIS 1, ATTENUATED. Identifiers: MedGen C2713442, MONDO:0021056, OMIM 175100. Disease mechanism: loss of function.
Classic or attenuated familial adenomatous polyposis. Identifiers: MedGen CN372698, MONDO:0021057.
Hereditary cancer-predisposing syndrome. Also called: Hereditary neoplastic syndrome; Tumor predisposition; Neoplastic Syndromes, Hereditary; Hereditary Cancer Syndrome. Identifiers: Orphanet 140162, MedGen C0027672, MeSH D009386, MONDO:0015356.

gnomAD v4.1: 4 of 1,614,198 alleles (0.00025%); highest among the groups gnomAD compares: Admixed American, 0.005%; no homozygotes.

Submissions (6):

Labcorp Genetics (formerly Invitae), Labcorp
Classification: Uncertain significance for Familial adenomatous polyposis 1. Last evaluated: 2025-12-24. Review status: criteria provided, single submitter. Criteria: Invitae Variant Classification Sherloc (09022015). Collection method: clinical testing. Allele origin: germline.
Comment: This sequence change replaces threonine, which is neutral and polar, with alanine, which is neutral and non-polar, at codon 882 of the APC protein (p.Thr882Ala). This variant is present in population databases (rs761780458, gnomAD 0.009%). This variant has not been reported in the literature in individuals affected with APC-related conditions. ClinVar contains an entry for this variant (Variation ID: 569763). Invitae Evidence Modeling of protein sequence and biophysical properties (such as structural, functional, and spatial information, amino acid conservation, physicochemical variation, residue mobility, and thermodynamic stability) indicates that this missense variant is not expected to disrupt APC protein function with a negative predictive value of 95%. In summary, the available evidence is currently insufficient to determine the role of this variant in disease. Therefore, it has been classified as a Variant of Uncertain Significance.

Ambry Genetics
Classification: Likely benign for Hereditary cancer-predisposing syndrome. Last evaluated: 2025-11-10. Review status: criteria provided, single submitter. Criteria: Ambry Variant Classification Scheme 2023. Collection method: clinical testing. Allele origin: germline.

Quest Diagnostics Nichols Institute San Juan Capistrano
Classification: Uncertain significance. Last evaluated: 2024-09-03. Review status: criteria provided, single submitter. Criteria: Quest Diagnostics criteria. Collection method: clinical testing. Allele origin: unknown.
Comment: The APC c.2644A>G (p.Thr882Ala) variant has not been reported in individuals with APC-related conditions in the published literature. The frequency of this variant in the general population, 0.000087 (3/34582 chromosomes (Genome Aggregation Database)), is uninformative in the assessment of its pathogenicity. Analysis of this variant using bioinformatics tools for the prediction of the effect of amino acid changes on protein structure and function yielded predictions that this variant is benign. Based on the available information, we are unable to determine the clinical significance of this variant.

All of Us Research Program, National Institutes of Health
Classification: Uncertain significance for Classic or attenuated familial adenomatous polyposis. Last evaluated: 2024-05-14. Review status: criteria provided, single submitter. Criteria: ACMG Guidelines, 2015. Collection method: clinical testing. Allele origin: germline. Inheritance: Autosomal dominant inheritance. Observed: 1 variant allele, 1 heterozygote.
Comment: This missense variant replaces threonine with alanine at codon 882 of the APC protein. Computational prediction suggests that this variant may not impact protein structure and function (internally defined REVEL score threshold <= 0.5, PMID: 27666373). Splice site prediction tools suggest that this variant may not impact RNA splicing. To our knowledge, functional studies have not been reported for this variant. This variant has not been reported in individuals affected with hereditary cancer in the literature. This variant has been identified in 4/250756 chromosomes in the general population by the Genome Aggregation Database (gnomAD). The available evidence is insufficient to determine the role of this variant in disease conclusively. Therefore, this variant is classified as a Variant of Uncertain Significance.

This study involves interpretation of variants in research participants for the purpose of population health screening. Participant phenotype was not available at the time of variant classification. Additional details can be found in publication PMID: 35346344, PMCID: PMC8962531

Color Diagnostics, LLC DBA Color Health
Classification: Uncertain significance for Hereditary cancer-predisposing syndrome. Last evaluated: 2024-04-30. Review status: criteria provided, single submitter. Criteria: ACMG Guidelines, 2015. Collection method: clinical testing. Allele origin: germline.
Comment: This missense variant replaces threonine with alanine at codon 882 of the APC protein. Computational prediction suggests that this variant may not impact protein structure and function (internally defined REVEL score threshold <= 0.5, PMID: 27666373). To our knowledge, functional studies have not been reported for this variant. This variant has been reported in at least one individual with a personal or family history of APC-related disease (ClinVar: SCV001177119.4). This variant has been identified in 4/250756 chromosomes in the general population by the Genome Aggregation Database (gnomAD). The available evidence is insufficient to determine the role of this variant in disease conclusively. Therefore, this variant is classified as a Variant of Uncertain Significance.

Baylor Genetics
Classification: Uncertain significance for Familial adenomatous polyposis 1. Last evaluated: 2023-12-24. Review status: criteria provided, single submitter. Criteria: ACMG Guidelines, 2015. Collection method: clinical testing. Allele origin: unknown.